The following is an entry in ClinVar:

NM_005120.3(MED12):c.6186GCA[4] (p.Gln2076del)

Gene: MED12 (mediator complex subunit 12; plus strand). Cytogenetic location: Xq13.1.
Variant type: Microsatellite.
Coding change: c.6186GCA[4] on transcript NM_005120.3 (MANE Select); four copies in a row of the 3-base unit GCA starting at c.6186; the reference has five copies in a row; one copy, 3 bases deleted.
Protein change: p.Gln2076del; deletes glutamine 2076.
Molecular consequence: inframe deletion.
Genome position (GRCh38, 1-based): chrX:71,140,788-71,140,790, GCA deleted; deleting any 3 consecutive bases within chrX:71,140,774-71,140,790 gives the same sequence; the position shown is the placement nearest the transcript's 3' end. VCF-style (leftmost placement, unchanged base first): chrX-71140773-ACAG-A. GRCh37 (hg19) VCF-style: chrX-70360623-ACAG-A.
Other names: short protein forms Q2076del.
Identifiers: ClinVar variation 2060127 (VCV002060127.4), dbSNP rs754533796, ClinGen allele CA10444891.

ClinVar aggregate classification (germline): Uncertain significance (1 of 4 stars; one submission).

Conditions:
FG syndrome (FGS). Identifiers: MedGen C0220769, MONDO:0002010.

Submission:

Labcorp Genetics (formerly Invitae), Labcorp
Classification: Uncertain significance for FG syndrome. Last evaluated: 2026-01-14. Review status: criteria provided, single submitter. Criteria: Invitae Variant Classification Sherloc (09022015). Collection method: clinical testing. Allele origin: germline.
Comment: This variant, c.6198_6200del, results in the deletion of 1 amino acid(s) of the MED12 protein (p.Gln2076del), but otherwise preserves the integrity of the reading frame. The frequency data for this variant in the population databases is considered unreliable, as metrics indicate poor data quality at this position in the gnomAD database. This variant has not been reported in the literature in individuals affected with MED12-related conditions. Experimental studies and prediction algorithms are not available or were not evaluated, and the functional significance of this variant is currently unknown. In summary, the available evidence is currently insufficient to determine the role of this variant in disease. Therefore, it has been classified as a Variant of Uncertain Significance.